The following is an entry in ClinVar:

ClinVar aggregate classification (germline): Likely benign. Review status: criteria provided, multiple submitters, no conflicts (2 of 4 stars). 2 submissions from 2 submitters: Likely benign (2). Last evaluated 2024-11-26.

Allele frequency attached by ClinVar (database versions not stated): gnomAD 0.00005; TOPMed 0.00006; ExAC 0.00007; gnomAD exomes 0.00007; 1000 Genomes Project 30x 0.00016; 1000 Genomes Project 0.00020.
gnomAD v4.1: 113 of 1,612,330 alleles (0.007%); highest among the groups gnomAD compares: Middle Eastern, 0.017%; no homozygotes.

Submissions (2):

Blueprint Genetics
Classification: Likely benign. Last evaluated: 2024-11-26. Review status: criteria provided, single submitter. Criteria: ACMG Guidelines, 2015. Collection method: clinical testing. Allele origin: germline.

CeGaT Center for Human Genetics Tuebingen
Classification: Likely benign. Last evaluated: 2024-02-01. Review status: criteria provided, single submitter. Criteria: CeGaT Center For Human Genetics Tuebingen Variant Classification Criteria Version 2. Collection method: clinical testing. Allele origin: germline. Affected: yes. Observed: 1 variant allele.
Comment: EPAS1: BP4

NM_001430.5(EPAS1):c.1444-7C>T

Gene: EPAS1 (endothelial PAS domain protein 1; plus strand). Cytogenetic location: 2p21.
Variant type: single nucleotide variant.
Coding change: c.1444-7C>T on transcript NM_001430.5 (MANE Select); 7 bases into the intron before coding-DNA position 1444, C replaced by T.
Molecular consequence: intron variant.
Genome position (GRCh38, 1-based): chr2:46,378,650, C>T. VCF-style: chr2-46378650-C-T. GRCh37 (hg19) VCF-style: chr2-46605789-C-T.
Identifiers: ClinVar variation 3024673 (VCV003024673.23), dbSNP rs552754940, ClinGen allele CA1645002.